The following is an entry in ClinVar:

NM_003560.4(PLA2G6):c.1288C>T (p.Pro430Ser)

Gene: PLA2G6 (phospholipase A2 group VI; minus strand). Cytogenetic location: 22q13.1.
Variant type: single nucleotide variant.
Coding change: c.1288C>T on transcript NM_003560.4 (MANE Select); coding-DNA position 1288, C replaced by T.
Protein change: p.Pro430Ser; replaces proline 430 with serine.
Molecular consequence: missense variant. On other transcripts: intron variant (5).
Genome position (GRCh38, 1-based): chr22:38,128,329, G>A on the plus strand (C>T on the coding strand, the complement: PLA2G6 is on the minus strand). VCF-style: chr22-38128329-G-A. GRCh37 (hg19) VCF-style: chr22-38524336-G-A.
Other names: c.1288C>T, p.Pro430Ser (NM_001349864.2); c.754C>T, p.Pro252Ser (NM_001349867.2); c.610C>T, p.Pro204Ser (NM_001349868.2); c.1186+1125C>T (NM_001349866.2, NM_001199562.3, NM_001349865.2 and 1 more transcripts); c.652+1125C>T (NM_001349869.2); short protein forms P204S, P252S, P430S.
Identifiers: ClinVar variation 2682424 (VCV002682424.1), dbSNP rs1434335192, ClinGen allele CA411530143.

ClinVar aggregate classification (germline): Uncertain significance (1 of 4 stars; one submission).

gnomAD v4.1: 1 of 1,613,442 alleles (0.000062%); highest among the groups gnomAD compares: Non-Finnish European, 0.000085%; no homozygotes.

Submission:

Women's Health and Genetics/Laboratory Corporation of America, LabCorp
Classification: Uncertain significance. Last evaluated: 2023-11-09. Review status: criteria provided, single submitter. Criteria: LabCorp Variant Classification Summary - May 2015. Collection method: clinical testing. Allele origin: germline.
Comment: Variant summary: PLA2G6 c.1288C>T (p.Pro430Ser) results in a non-conservative amino acid change in the encoded protein sequence. Four of five in-silico tools predict a benign effect of the variant on protein function. The variant was absent in 250880 control chromosomes. The available data on variant occurrences in the general population are insufficient to allow any conclusion about variant significance. To our knowledge, no occurrence of c.1288C>T in individuals affected with Neurodegeneration With Brain Iron Accumulation and no experimental evidence demonstrating its impact on protein function have been reported. No submitters have cited clinical-significance assessments for this variant to ClinVar after 2014. Based on the evidence outlined above, the variant was classified as uncertain significance.